The following is an entry in ClinVar:

ClinVar aggregate classification (germline): Benign/Likely benign. Review status: criteria provided, multiple submitters, no conflicts (2 of 4 stars). 6 submissions from 6 submitters: Benign (3); Likely benign (1). 2 of the submissions do not count toward it. Last evaluated 2026-04-01.

Allele frequency attached by ClinVar (database versions not stated): 1000 Genomes Project 30x 0.00125; 1000 Genomes Project 0.00140; TOPMed 0.00165; ESP Exome Variant Server 0.00177; gnomAD 0.00217 and 0.00224.

Submissions (6):

CeGaT Center for Human Genetics Tuebingen
Classification: Likely benign. Last evaluated: 2026-04-01. Review status: criteria provided, single submitter. Criteria: CeGaT Center For Human Genetics Tuebingen Variant Classification Criteria Version 2. Collection method: clinical testing. Allele origin: germline. Affected: yes. Observed: 4 variant alleles.
Comment: HSD3B7: BP4, BP7

Labcorp Genetics (formerly Invitae), Labcorp
Classification: Benign. Last evaluated: 2026-01-26. Review status: criteria provided, single submitter. Criteria: Invitae Variant Classification Sherloc (09022015). Collection method: clinical testing. Allele origin: germline.

Mayo Clinic Laboratories, Mayo Clinic
Classification: Benign. Last evaluated: 2025-04-29. Review status: criteria provided, single submitter. Criteria: ACMG Guidelines, 2015. Collection method: clinical testing. Allele origin: germline. Observed: 1 variant allele.
Comment: BA1, BP4, BP7

Eurofins Ntd Llc (ga)
Classification: Benign. Last evaluated: 2016-03-14. Review status: criteria provided, single submitter. Criteria: EGL Classification Definitions 2015. Collection method: clinical testing. Allele origin: germline. Observed: 1 variant allele, 1 heterozygote.

Clinical Genetics DNA and cytogenetics Diagnostics Lab, Erasmus MC, Erasmus Medical Center
Classification: Likely benign. Review status: no assertion criteria provided. Collection method: clinical testing. Allele origin: germline. Affected: yes. Study: VKGL Data-share Consensus. Not counted in ClinVar's aggregate classification.

Genome Diagnostics Laboratory, University Medical Center Utrecht
Classification: Likely benign. Review status: no assertion criteria provided. Collection method: clinical testing. Allele origin: germline. Affected: yes. Study: VKGL Data-share Consensus. Not counted in ClinVar's aggregate classification.

NM_025193.4(HSD3B7):c.357C>T (p.Thr119=)

Gene: HSD3B7 (hydroxy-delta-5-steroid dehydrogenase, 3 beta- and steroid delta-isomerase 7; plus strand). Cytogenetic location: 16p11.2.
Variant type: single nucleotide variant.
Coding change: c.357C>T on transcript NM_025193.4 (MANE Select); coding-DNA position 357, C replaced by T.
Protein change: p.Thr119=; no amino-acid change (threonine 119 retained).
Molecular consequence: synonymous variant.
Genome position (GRCh38, 1-based): chr16:30,986,457, C>T. VCF-style: chr16-30986457-C-T. GRCh37 (hg19) VCF-style: chr16-30997778-C-T.
Other names: p.Thr119=; c.357C>T, p.Thr119= (NM_001142777.2, NM_001142778.2).
Identifiers: ClinVar variation 286887 (VCV000286887.40), dbSNP rs117645456, ClinGen allele CA8017975.